The following is an entry in ClinVar:

NM_017750.4(RETSAT):c.402del (p.Phe134fs)

Gene: RETSAT (retinol saturase; minus strand). Cytogenetic location: 2p11.2.
Variant type: Deletion.
Coding change: c.402del on transcript NM_017750.4 (MANE Select); coding-DNA position 402, one base deleted (T; older notation c.402delT).
Protein change: p.Phe134fs; shifts the reading frame from phenylalanine 134.
Molecular consequence: frameshift variant.
Genome position (GRCh38, 1-based): chr2:85,350,975, A deleted on the plus strand (T on the coding strand, the reverse complement: RETSAT is on the minus strand); the first of 4 consecutive A bases (chr2:85,350,975-85,350,978); deleting any one gives the same sequence. VCF-style (leftmost placement, unchanged base first): chr2-85350974-TA-T. GRCh37 (hg19) VCF-style: chr2-85578097-TA-T.
Other names: short protein forms F134fs.
Identifiers: ClinVar variation 2651093 (VCV002651093.24), dbSNP rs534908680, ClinGen allele CA1740030.

ClinVar aggregate classification (germline): Likely benign (1 of 4 stars; one submission).

Submission:

CeGaT Center for Human Genetics Tuebingen
Classification: Likely benign. Last evaluated: 2023-03-01. Review status: criteria provided, single submitter. Criteria: CeGaT Center For Human Genetics Tuebingen Variant Classification Criteria Version 2. Collection method: clinical testing. Allele origin: germline. Affected: yes. Observed: 1 variant allele.
Comment: RETSAT: BS2